The following is an entry in ClinVar:

ClinVar aggregate classification (germline): Uncertain significance (1 of 4 stars; one submission).

Conditions:
Hypertrophic cardiomyopathy 12. Identifiers: MedGen C2677491, MONDO:0012804, OMIM 612124.
Dilated cardiomyopathy 1M (CMD1M). Identifiers: Orphanet 154, MedGen C1843808, MONDO:0011840, OMIM 607482.

Submission:

Labcorp Genetics (formerly Invitae), Labcorp
Classification: Uncertain significance for Hypertrophic cardiomyopathy 12; Dilated cardiomyopathy 1M. Last evaluated: 2020-10-29. Review status: criteria provided, single submitter. Criteria: Invitae Variant Classification Sherloc (09022015). Collection method: clinical testing. Allele origin: germline.
Comment: This sequence change falls in intron 5 of the CSRP3 gene. It does not directly change the encoded amino acid sequence of the CSRP3 protein. The frequency data for this variant in the population databases is not available, as this variant may be reported as separate entries in the ExAC database. This variant has not been reported in the literature in individuals with CSRP3-related conditions. Algorithms developed to predict the effect of sequence changes on RNA splicing suggest that this variant may disrupt the consensus splice site, but this prediction has not been confirmed by published transcriptional studies. In summary, the available evidence is currently insufficient to determine the role of this variant in disease. Therefore, it has been classified as a Variant of Uncertain Significance.

NM_003476.5(CSRP3):c.415-7_415-6delinsTA

Gene: CSRP3 (cysteine and glycine rich protein 3; minus strand). Cytogenetic location: 11p15.1.
Variant type: Indel.
Coding change: c.415-7_415-6delinsTA on transcript NM_003476.5 (MANE Select); 7 bases into the intron before coding-DNA position 415 through 6 bases into the intron before coding-DNA position 415, CC replaced by TA.
Molecular consequence: intron variant.
Genome position (GRCh38, 1-based): chr11:19,185,051-19,185,052, GG replaced by TA on the plus strand (CC replaced by TA on the coding strand, the reverse complement: CSRP3 is on the minus strand). VCF-style: chr11-19185051-GG-TA. GRCh37 (hg19) VCF-style: chr11-19206598-GG-TA.
Other names: c.246-7_246-6delinsTA (NM_001369404.1).
Identifiers: ClinVar variation 1472253 (VCV001472253.8), dbSNP rs2133507010, ClinGen allele CA2573146119.